The following is an entry in ClinVar:

NM_003072.5(SMARCA4):c.3412C>T (p.Leu1138=)

Gene: SMARCA4 (SWI/SNF related BAF chromatin remodeling complex subunit ATPase 4; plus strand). Cytogenetic location: 19p13.2.
Variant type: single nucleotide variant.
Coding change: c.3412C>T on transcript NM_003072.5 (MANE Select); coding-DNA position 3412, C replaced by T.
Protein change: p.Leu1138=; no amino-acid change (leucine 1138 retained).
Molecular consequence: synonymous variant. On other transcripts: non-coding transcript variant (1).
Genome position (GRCh38, 1-based): chr19:11,030,759, C>T. VCF-style: chr19-11030759-C-T. GRCh37 (hg19) VCF-style: chr19-11141435-C-T.
Other names: c.3412C>T, p.Leu1138= (NM_001128844.3, NM_001128845.2, NM_001128846.2 and 5 more transcripts).
Identifiers: ClinVar variation 486470 (VCV000486470.19), dbSNP rs760188750, ClinGen allele CA9204422.

ClinVar aggregate classification (germline): Benign/Likely benign. Review status: criteria provided, multiple submitters, no conflicts (2 of 4 stars). 4 submissions from 4 submitters: Benign (1); Likely benign (2). 1 of the submissions does not count toward it. Last evaluated 2026-07-14.

Conditions:
Hereditary cancer-predisposing syndrome. Also called: Tumor predisposition; Neoplastic Syndromes, Hereditary; Hereditary Cancer Syndrome; Hereditary neoplastic syndrome. Identifiers: Orphanet 140162, MedGen C0027672, MeSH D009386, MONDO:0015356.
Rhabdoid tumor predisposition syndrome 2 (RTPS2). Identifiers: Orphanet 231108, Orphanet 69077, MedGen C2750074, MONDO:0013224, OMIM 613325.
SMARCA4-related disorder. Also called: SMARCA4-related condition.

Allele frequency attached by ClinVar (database versions not stated): gnomAD exomes 0.00001 and 0.00002; gnomAD 0.00002 and 0.00003; TOPMed 0.00002; ExAC 0.00002.
gnomAD v4.1: 7 of 1,611,708 alleles (0.00043%); highest among the groups gnomAD compares: African/African-American, 0.008%; no homozygotes.

Submissions (4):

Myriad Genetics, Inc.
Classification: Benign for Rhabdoid tumor predisposition syndrome 2. Last evaluated: 2026-07-14. Review status: criteria provided, single submitter. Criteria: Myriad Autosomal Dominant, Autosomal Recessive and X-Linked Classification Criteria (2023). Collection method: clinical testing. Allele origin: unknown.
Comment: This variant is considered benign. This variant is a silent/synonymous amino acid change and it is not expected to impact splicing.

Labcorp Genetics (formerly Invitae), Labcorp
Classification: Likely benign for Rhabdoid tumor predisposition syndrome 2. Last evaluated: 2026-01-14. Review status: criteria provided, single submitter. Criteria: Invitae Variant Classification Sherloc (09022015). Collection method: clinical testing. Allele origin: germline.

Ambry Genetics
Classification: Likely benign for Hereditary cancer-predisposing syndrome. Last evaluated: 2016-05-23. Review status: criteria provided, single submitter. Criteria: Ambry Variant Classification Scheme 2023. Collection method: clinical testing. Allele origin: germline.

PreventionGenetics, part of Exact Sciences
Classification: Likely benign for SMARCA4-related condition. Last evaluated: 2023-12-15. Review status: no assertion criteria provided. Collection method: clinical testing. Allele origin: germline. Not counted in ClinVar's aggregate classification.
Comment: This variant is classified as likely benign based on ACMG/AMP sequence variant interpretation guidelines (Richards et al. 2015 PMID: 25741868, with internal and published modifications).